The following is an entry in ClinVar:

ClinVar aggregate classification (germline): Uncertain significance. Review status: criteria provided, multiple submitters, no conflicts (2 of 4 stars). 4 submissions from 4 submitters: Uncertain significance (4). Last evaluated 2024-02-23.

Conditions:
Familial cancer of breast. Also called: Hereditary breast cancer; hereditary breast carcinoma; BREAST CANCER, FAMILIAL. Identifiers: Orphanet 227535, MedGen C0346153, MONDO:0016419, OMIM 114480. Disease mechanism: loss of function.
Fanconi anemia complementation group J. Also called: BRIP1-Related Fanconi Anemia. Identifiers: Orphanet 84, MedGen C1836860, MONDO:0012187, OMIM 609054.
Hereditary cancer-predisposing syndrome. Also called: Hereditary Cancer Syndrome; Neoplastic Syndromes, Hereditary; Hereditary neoplastic syndrome; Tumor predisposition. Identifiers: Orphanet 140162, MedGen C0027672, MeSH D009386, MONDO:0015356.

Allele frequency attached by ClinVar (database versions not stated): TOPMed 0.00001.

Submissions (4):

Baylor Genetics
Classification: Uncertain significance for Familial cancer of breast. Last evaluated: 2024-02-23. Review status: criteria provided, single submitter. Criteria: ACMG Guidelines, 2015. Collection method: clinical testing. Allele origin: unknown.

Labcorp Genetics (formerly Invitae), Labcorp
Classification: Uncertain significance for Familial cancer of breast; Fanconi anemia complementation group J. Last evaluated: 2024-01-19. Review status: criteria provided, single submitter. Criteria: Invitae Variant Classification Sherloc (09022015). Collection method: clinical testing. Allele origin: germline.
Comment: This sequence change replaces asparagine, which is neutral and polar, with serine, which is neutral and polar, at codon 659 of the BRIP1 protein (p.Asn659Ser). This variant is not present in population databases (gnomAD no frequency). This variant has not been reported in the literature in individuals affected with BRIP1-related conditions. ClinVar contains an entry for this variant (Variation ID: 820396). Advanced modeling of protein sequence and biophysical properties (such as structural, functional, and spatial information, amino acid conservation, physicochemical variation, residue mobility, and thermodynamic stability) performed at Invitae indicates that this missense variant is not expected to disrupt BRIP1 protein function with a negative predictive value of 80%. In summary, the available evidence is currently insufficient to determine the role of this variant in disease. Therefore, it has been classified as a Variant of Uncertain Significance.

Color Diagnostics, LLC DBA Color Health
Classification: Uncertain significance for Hereditary cancer-predisposing syndrome. Last evaluated: 2023-12-04. Review status: criteria provided, single submitter. Criteria: ACMG Guidelines, 2015. Collection method: clinical testing. Allele origin: germline.
Comment: This missense variant replaces asparagine with serine at codon 659 of the BRIP1 protein. Computational prediction suggests that this variant may not impact protein structure and function (internally defined REVEL score threshold <= 0.5, PMID: 27666373). To our knowledge, functional studies have not been reported for this variant. This variant has not been reported in individuals affected with BRIP1-related disorders in the literature. This variant has not been identified in the general population by the Genome Aggregation Database (gnomAD). The available evidence is insufficient to determine the role of this variant in disease conclusively. Therefore, this variant is classified as a Variant of Uncertain Significance.

Ambry Genetics
Classification: Uncertain significance for Hereditary cancer-predisposing syndrome. Last evaluated: 2019-09-23. Review status: criteria provided, single submitter. Criteria: Ambry Variant Classification Scheme 2023. Collection method: clinical testing. Allele origin: germline.
Comment: The p.N659S variant (also known as c.1976A>G), located in coding exon 13 of the BRIP1 gene, results from an A to G substitution at nucleotide position 1976. The asparagine at codon 659 is replaced by serine, an amino acid with highly similar properties. This amino acid position is not well conserved in available vertebrate species. In addition, this alteration is predicted to be tolerated by in silico analysis. Since supporting evidence is limited at this time, the clinical significance of this alteration remains unclear.

NM_032043.3(BRIP1):c.1976A>G (p.Asn659Ser)

Gene: BRIP1 (BRCA1 interacting DNA helicase 1; minus strand). Cytogenetic location: 17q23.2.
Variant type: single nucleotide variant.
Coding change: c.1976A>G on transcript NM_032043.3 (MANE Select); coding-DNA position 1976, A replaced by G.
Protein change: p.Asn659Ser; replaces asparagine 659 with serine.
Molecular consequence: missense variant.
Genome position (GRCh38, 1-based): chr17:61,776,522, T>C on the plus strand (A>G on the coding strand, the complement: BRIP1 is on the minus strand). VCF-style: chr17-61776522-T-C. GRCh37 (hg19) VCF-style: chr17-59853883-T-C.
Other names: short protein forms N659S.
Identifiers: ClinVar variation 820396 (VCV000820396.12), dbSNP rs1213142447, ClinGen allele CA400478500.
Genomic context (GRCh38, chr17:61,776,522, plus strand): 5'-AGTGCTCCCACTTCATCTTGGAACTCAAATGTTTCAGTATTCTGGAAGGTAGCACAGAGA[T>C]TCCGACCCTTGGGGCCTGACCCAATGGTACCAACCCAAACCTAGAATATGAATATGTCAT-3'
Protein context (NP_114432.2, residues 649-669): GTIGSGPKGR[Asn659Ser]LCATFQNTET